The following is an entry in ClinVar:

NM_004006.3(DMD):c.8547+1G>A

Gene: DMD (dystrophin; minus strand). Cytogenetic location: Xp21.2.
Variant type: single nucleotide variant.
Coding change: c.8547+1G>A on transcript NM_004006.3 (MANE Select); the canonical splice donor site of the intron after coding-DNA position 8547, G replaced by A.
Molecular consequence: splice donor variant.
Genome position (GRCh38, 1-based): chrX:31,496,787, C>T on the plus strand (G>A on the coding strand, the complement: DMD is on the minus strand). VCF-style: chrX-31496787-C-T. GRCh37 (hg19) VCF-style: chrX-31514904-C-T.
Other names: c.8523+1G>A (NM_000109.4); c.4524+1G>A (NM_004011.4); c.4515+1G>A (NM_004012.4); c.1167+1G>A (NM_004023.3, NM_004020.4, NM_004022.3 and 2 more transcripts); c.360+1G>A (NM_004014.3); c.8535+1G>A (NM_004009.3); c.8178+1G>A (NM_004010.3).
Identifiers: ClinVar variation 455935 (VCV000455935.7), dbSNP rs1556665052, ClinGen allele CA412655349.

ClinVar aggregate classification (germline): Likely pathogenic (1 of 4 stars; one submission).

Conditions:
Duchenne muscular dystrophy (DMD). Also called: MUSCULAR DYSTROPHY, PSEUDOHYPERTROPHIC PROGRESSIVE, DUCHENNE TYPE; Duchenne Muscular Dystrophy (DMD). Identifiers: Orphanet 98896, MedGen C0013264, MONDO:0010679, OMIM 310200.

Submission:

Labcorp Genetics (formerly Invitae), Labcorp
Classification: Likely pathogenic for Duchenne muscular dystrophy. Last evaluated: 2017-11-16. Review status: criteria provided, single submitter. Criteria: Invitae Variant Classification Sherloc (09022015). Collection method: clinical testing. Allele origin: germline.
Comment: Algorithms developed to predict the effect of sequence changes on RNA splicing suggest that this variant may disrupt the consensus splice site, but this prediction has not been confirmed by published transcriptional studies. This sequence change affects a donor splice site in intron 57 of the DMD gene. It is expected to disrupt RNA splicing and likely results in an absent or disrupted protein product. This variant is not present in population databases (ExAC no frequency). This variant has not been reported in the literature in individuals with a DMD-related disease. Donor and acceptor splice site variants typically lead to a loss of protein function (PMID: 16199547), and loss-of-function variants in DMD are known to be pathogenic (PMID: 16770791). In summary, the currently available evidence indicates that the variant is pathogenic, but additional data are needed to prove that conclusively. Therefore, this variant has been classified as Likely Pathogenic.

Literature cited by the submitters: PubMed 16199547; PubMed 16770791.